The following is an entry in ClinVar:

ClinVar aggregate classification (germline): Benign/Likely benign. Review status: criteria provided, multiple submitters, no conflicts (2 of 4 stars). 4 submissions from 4 submitters: Benign (1); Likely benign (2). 1 of the submissions does not count toward it. Last evaluated 2026-01-06.

Conditions:
NLRP1-related disorder. Also called: NLRP1-related condition.

Allele frequency attached by ClinVar (database versions not stated): gnomAD 0.00012 and 0.00013; gnomAD exomes 0.00013 and 0.00028; TOPMed 0.00016; ExAC 0.00026; ESP Exome Variant Server 0.00046.
gnomAD v4.1: 219 of 1,611,830 alleles (0.014%); highest among the groups gnomAD compares: Non-Finnish European, 0.0019%; 2 homozygotes.

Submissions (4):

Labcorp Genetics (formerly Invitae), Labcorp
Classification: Benign. Last evaluated: 2026-01-06. Review status: criteria provided, single submitter. Criteria: Invitae Variant Classification Sherloc (09022015). Collection method: clinical testing. Allele origin: germline.

Blueprint Genetics
Classification: Likely benign. Last evaluated: 2024-09-18. Review status: criteria provided, single submitter. Criteria: ACMG Guidelines, 2015. Collection method: clinical testing. Allele origin: germline.

CeGaT Center for Human Genetics Tuebingen
Classification: Likely benign. Last evaluated: 2022-11-01. Review status: criteria provided, single submitter. Criteria: CeGaT Center For Human Genetics Tuebingen Variant Classification Criteria Version 2. Collection method: clinical testing. Allele origin: germline. Affected: yes. Observed: 1 variant allele.
Comment: NLRP1: BP4

PreventionGenetics, part of Exact Sciences
Classification: Likely benign for NLRP1-related condition. Last evaluated: 2022-04-12. Review status: no assertion criteria provided. Collection method: clinical testing. Allele origin: germline. Not counted in ClinVar's aggregate classification.
Comment: This variant is classified as likely benign based on ACMG/AMP sequence variant interpretation guidelines (Richards et al. 2015 PMID: 25741868, with internal and published modifications).

NM_033004.4(NLRP1):c.3520+7A>C

Gene: NLRP1 (NLR family pyrin domain containing 1; minus strand). Cytogenetic location: 17p13.2.
Variant type: single nucleotide variant.
Coding change: c.3520+7A>C on transcript NM_033004.4 (MANE Select); 7 bases into the intron after coding-DNA position 3520, A replaced by C.
Molecular consequence: intron variant.
Genome position (GRCh38, 1-based): chr17:5,530,474, T>G on the plus strand (A>C on the coding strand, the complement: NLRP1 is on the minus strand). VCF-style: chr17-5530474-T-G. GRCh37 (hg19) VCF-style: chr17-5433794-T-G.
Other names: c.3520+7A>C (NM_033004.3, NM_014922.5); c.3532+7A>C (NM_001033053.3); c.3430+7A>C (NM_033007.4, NM_033006.4).
Identifiers: ClinVar variation 1605157 (VCV001605157.34), dbSNP rs200652517, ClinGen allele CA8326815.